The following is an entry in ClinVar:

ClinVar aggregate classification (germline): Likely pathogenic (0 of 4 stars; one submission).

Conditions:
Tay-Sachs disease (TSD). Also called: HEXA DEFICIENCY; GM2 gangliosidosis, type 1; Hexosaminidase alpha-subunit deficiency (variant B); Sphingolipidosis, Tay-Sachs; Hexosaminidase A Deficiency; HEXA Disorders. Identifiers: Orphanet 845, MedGen C0039373, MONDO:0010100, OMIM 272800.

Submission:

Foundation for Research in Genetics and Endocrinology, FRIGE's Institute of Human Genetics
Classification: Likely pathogenic for Tay-Sachs disease. Last evaluated: 2016-04-01. Review status: no assertion criteria provided. Collection method: research. Allele origin: germline. Inheritance: Autosomal recessive inheritance. Affected: yes. Observed: 1 homozygote.
Comment: Variant was found to be pathogenic by online software Mutation Taster

NM_000520.6(HEXA):c.1259G>A (p.Trp420Ter)

Gene: HEXA (hexosaminidase subunit alpha; minus strand). Cytogenetic location: 15q23.
Variant type: single nucleotide variant.
Coding change: c.1259G>A on transcript NM_000520.6 (MANE Select); coding-DNA position 1259, G replaced by A.
Protein change: p.Trp420Ter; replaces tryptophan 420 with a stop codon.
Molecular consequence: nonsense.
Genome position (GRCh38, 1-based): chr15:72,346,598, C>T on the plus strand (G>A on the coding strand, the complement: HEXA is on the minus strand). VCF-style: chr15-72346598-C-T. GRCh37 (hg19) VCF-style: chr15-72638939-C-T.
Other names: c.1292G>A, p.Trp431Ter (NM_001318825.2); short protein forms W420*, W431*.
Identifiers: ClinVar variation 375361 (VCV000375361.2), dbSNP rs1057519465, ClinGen allele CA16044200.